The following is an entry in ClinVar:

NM_001365480.1(CCDC88A):c.165-10854C>G

Gene: CCDC88A (coiled-coil and HOOK domain protein 88A; minus strand). Cytogenetic location: 2p16.1.
Variant type: single nucleotide variant.
Coding change: c.165-10854C>G on transcript NM_001365480.1 (MANE Select); 10854 bases into the intron before coding-DNA position 165, C replaced by G.
Molecular consequence: intron variant.
Genome position (GRCh38, 1-based): chr2:55,399,740, G>C on the plus strand (C>G on the coding strand, the complement: CCDC88A is on the minus strand). VCF-style: chr2-55399740-G-C. GRCh37 (hg19) VCF-style: chr2-55626876-G-C.
Other names: c.165-10854C>G (NM_001254943.2, NM_001135597.2, NM_018084.5).
Identifiers: ClinVar variation 4890753 (VCV004890753.1).

ClinVar aggregate classification (germline): Uncertain significance (1 of 4 stars; one submission).

Conditions:
PEHO-like syndrome. Also called: PROGRESSIVE ENCEPHALOPATHY WITH EDEMA, HYPSARRHYTHMIA, AND OPTIC ATROPHY-LIKE SYNDROME. Identifiers: Orphanet 99807, MedGen C1850056, MONDO:0020495, OMIM 617507.

Submission:

Institute of Human Genetics, University of Leipzig Medical Center
Classification: Uncertain significance for PEHO-like syndrome. Last evaluated: 2026-08-19. Review status: criteria provided, single submitter. Criteria: ACMG Guidelines, 2015. Collection method: clinical testing. Allele origin: maternal. Inheritance: Autosomal recessive inheritance. Affected: yes.
Comment: Criteria applied: PM2,PP3